The following is an entry in ClinVar:

ClinVar aggregate classification (germline): Uncertain significance (1 of 4 stars; one submission).

Conditions:
Baller-Gerold syndrome (BGS). Also called: CRANIOSYNOSTOSIS WITH RADIAL DEFECTS. Identifiers: Orphanet 1225, MedGen C0265308, MONDO:0009039, OMIM 218600.

Allele frequency attached by ClinVar (database versions not stated): gnomAD exomes below 0.00001; gnomAD 0.00001; TOPMed 0.00002.
gnomAD v4.1: 11 of 1,611,374 alleles (0.00068%); highest among the groups gnomAD compares: South Asian, 0.0011%; no homozygotes.

Submission:

Labcorp Genetics (formerly Invitae), Labcorp
Classification: Uncertain significance for Baller-Gerold syndrome. Last evaluated: 2026-01-28. Review status: criteria provided, single submitter. Criteria: Invitae Variant Classification Sherloc (09022015). Collection method: clinical testing. Allele origin: germline.
Comment: This sequence change affects codon 568 of the RECQL4 mRNA. It is a 'silent' change, meaning that it does not change the encoded amino acid sequence of the RECQL4 protein. This variant also falls at the last nucleotide of exon 10, which is part of the consensus splice site for this exon. This variant is present in population databases (no rsID available, gnomAD 0.0009%). This variant has been observed in individual(s) with Rothmund–Thomson syndrome (PMID: 12734318). This variant is also known as g.3427G>A. ClinVar contains an entry for this variant (Variation ID: 239703). Variants that disrupt the consensus splice site are a relatively common cause of aberrant splicing (PMID: 17576681, 9536098). Algorithms developed to predict the effect of sequence changes on RNA splicing suggest that this variant may disrupt the consensus splice site. In summary, the available evidence is currently insufficient to determine the role of this variant in disease. Therefore, it has been classified as a Variant of Uncertain Significance.

Literature cited by the submitters: PubMed 12734318; PubMed 17576681; PubMed 9536098.

NM_004260.4(RECQL4):c.1704G>A (p.Lys568=)

Gene: RECQL4 (RecQ like helicase 4; minus strand). Cytogenetic location: 8q24.3.
Variant type: single nucleotide variant.
Coding change: c.1704G>A on transcript NM_004260.4 (MANE Select); coding-DNA position 1704, G replaced by A.
Protein change: p.Lys568=; no amino-acid change (lysine 568 retained).
Molecular consequence: synonymous variant.
Genome position (GRCh38, 1-based): chr8:144,514,442, C>T on the plus strand (G>A on the coding strand, the complement: RECQL4 is on the minus strand). VCF-style: chr8-144514442-C-T. GRCh37 (hg19) VCF-style: chr8-145739826-C-T.
Identifiers: ClinVar variation 239703 (VCV000239703.8), dbSNP rs878854642, ClinGen allele CA10582566.